The following is an entry in ClinVar:

NM_000844.4(GRM7):c.1558G>A (p.Ala520Thr)

Gene: GRM7 (glutamate metabotropic receptor 7; plus strand). Cytogenetic location: 3p26.1.
Variant type: single nucleotide variant.
Coding change: c.1558G>A on transcript NM_000844.4 (MANE Select); coding-DNA position 1558, G replaced by A.
Protein change: p.Ala520Thr; replaces alanine 520 with threonine.
Molecular consequence: missense variant.
Genome position (GRCh38, 1-based): chr3:7,578,464, G>A. VCF-style: chr3-7578464-G-A. GRCh37 (hg19) VCF-style: chr3-7620151-G-A.
Other names: c.1558G>A, p.Ala520Thr (NM_181874.3); short protein forms A520T.
Identifiers: ClinVar variation 1510515 (VCV001510515.6), dbSNP rs758720116, ClinGen allele CA2234952.
Genomic context (GRCh38, chr3:7,578,464, plus strand): 5'-TTATTTCTTATGTTACAGATAGAAGACATGCAGTGGGGTAAAGGAGTCCGAGAGATACCC[G>A]CCTCAGTGTGCACACTACCATGTAAGCCAGGACAGAGAAAGAAGACACAGAAAGGAACTC-3'
Protein context (NP_000835.1, residues 510-530): QWGKGVREIP[Ala520Thr]SVCTLPCKPG

ClinVar aggregate classification (germline): Uncertain significance (1 of 4 stars; one submission).

Allele frequency attached by ClinVar (database versions not stated): gnomAD 0.00005 and 0.00006; gnomAD exomes 0.00005 and 0.00016; ExAC 0.00012; TOPMed 0.00012.
gnomAD v4.1: 80 of 1,613,264 alleles (0.005%); highest among the groups gnomAD compares: East Asian, 0.094%; no homozygotes.

Submission:

Labcorp Genetics (formerly Invitae), Labcorp
Classification: Uncertain significance. Last evaluated: 2025-05-20. Review status: criteria provided, single submitter. Criteria: Invitae Variant Classification Sherloc (09022015). Collection method: clinical testing. Allele origin: germline.
Comment: This sequence change replaces alanine, which is neutral and non-polar, with threonine, which is neutral and polar, at codon 520 of the GRM7 protein (p.Ala520Thr). This variant is present in population databases (rs758720116, gnomAD 0.2%). This variant has not been reported in the literature in individuals affected with GRM7-related conditions. ClinVar contains an entry for this variant (Variation ID: 1510515). Invitae Evidence Modeling of protein sequence and biophysical properties (such as structural, functional, and spatial information, amino acid conservation, physicochemical variation, residue mobility, and thermodynamic stability) indicates that this missense variant is not expected to disrupt GRM7 protein function with a negative predictive value of 80%. In summary, the available evidence is currently insufficient to determine the role of this variant in disease. Therefore, it has been classified as a Variant of Uncertain Significance.